The following is an entry in ClinVar:

NM_000075.4(CDK4):c.781G>T (p.Val261Leu)

Genes: CDK4 (cyclin dependent kinase 4; minus strand), TSPAN31 (tetraspanin 31; plus strand). Cytogenetic location: 12q14.1.
Variant type: single nucleotide variant.
Coding change: c.781G>T on transcript NM_000075.4 (MANE Select); coding-DNA position 781, G replaced by T.
Protein change: p.Val261Leu; replaces valine 261 with leucine.
Molecular consequence: missense variant. On other transcripts: 3 prime UTR variant (3).
Genome position (GRCh38, 1-based): chr12:57,749,220, C>A on the plus strand (G>T on the coding strand, the complement: CDK4 is on the minus strand). VCF-style: chr12-57749220-C-A. GRCh37 (hg19) VCF-style: chr12-58143003-C-A.
Other names: c.*1930C>A (NM_001330168.2, NM_001330169.2, NM_005981.5); short protein forms V261L.
Identifiers: ClinVar variation 1721233 (VCV001721233.5), dbSNP rs2140382752, ClinGen allele CA385543160.

ClinVar aggregate classification (germline): Uncertain significance (1 of 4 stars; one submission).

Conditions:
Familial melanoma. Also called: Hereditary melanoma; Hereditary cutaneous melanoma. Identifiers: Orphanet 618, MedGen C1512419, MONDO:0018961.

Submission:

Labcorp Genetics (formerly Invitae), Labcorp
Classification: Uncertain significance for Familial melanoma. Last evaluated: 2022-10-08. Review status: criteria provided, single submitter. Criteria: Invitae Variant Classification Sherloc (09022015). Collection method: clinical testing. Allele origin: germline.
Comment: In summary, the available evidence is currently insufficient to determine the role of this variant in disease. Therefore, it has been classified as a Variant of Uncertain Significance. Advanced modeling of protein sequence and biophysical properties (such as structural, functional, and spatial information, amino acid conservation, physicochemical variation, residue mobility, and thermodynamic stability) performed at Invitae indicates that this missense variant is not expected to disrupt CDK4 protein function. This variant has not been reported in the literature in individuals affected with CDK4-related conditions. This variant is not present in population databases (gnomAD no frequency). This sequence change replaces valine, which is neutral and non-polar, with leucine, which is neutral and non-polar, at codon 261 of the CDK4 protein (p.Val261Leu).